The following is an entry in ClinVar:

ClinVar aggregate classification (germline): Likely benign (1 of 4 stars; one submission).

Submission:

GeneDx
Classification: Likely benign. Last evaluated: 2016-10-03. Review status: criteria provided, single submitter. Criteria: GeneDx Variant Classification (06012015). Collection method: clinical testing. Allele origin: germline. Affected: yes.
Comment: This variant is considered likely benign or benign based on one or more of the following criteria: it is a conservative change, it occurs at a poorly conserved position in the protein, it is predicted to be benign by multiple in silico algorithms, and/or has population frequency not consistent with disease.

NM_001278116.2(L1CAM):c.-45T>A

Gene: L1CAM (L1 cell adhesion molecule; minus strand). Cytogenetic location: Xq28.
Variant type: single nucleotide variant.
Coding change: c.-45T>A on transcript NM_001278116.2 (MANE Select); 45 bases upstream of the start codon, T replaced by A.
Molecular consequence: 5 prime UTR variant.
Genome position (GRCh38, 1-based): chrX:153,875,881, A>T on the plus strand (T>A on the coding strand, the complement: L1CAM is on the minus strand). VCF-style: chrX-153875881-A-T. GRCh37 (hg19) VCF-style: chrX-153141336-A-T.
Other names: c.-45T>A (NM_000425.5, NM_001143963.2, NM_024003.3).
Identifiers: ClinVar variation 389778 (VCV000389778.1), dbSNP rs1057523538, ClinGen allele CA16609143.